The following is an entry in ClinVar:

NM_021625.5(TRPV4):c.1851C>A (p.Phe617Leu)

Gene: TRPV4 (transient receptor potential cation channel subfamily V member 4; minus strand). Cytogenetic location: 12q24.11.
Variant type: single nucleotide variant.
Coding change: c.1851C>A on transcript NM_021625.5 (MANE Select); coding-DNA position 1851, C replaced by A.
Protein change: p.Phe617Leu; replaces phenylalanine 617 with leucine.
Molecular consequence: missense variant.
Genome position (GRCh38, 1-based): chr12:109,792,403, G>T on the plus strand (C>A on the coding strand, the complement: TRPV4 is on the minus strand). VCF-style: chr12-109792403-G-T. GRCh37 (hg19) VCF-style: chr12-110230208-G-T.
Other names: c.1710C>A, p.Phe570Leu (NM_001177428.2); c.1749C>A, p.Phe583Leu (NM_001177431.2); c.1530C>A, p.Phe510Leu (NM_001177433.2); c.1671C>A, p.Phe557Leu (NM_147204.3); short protein forms F510L, F557L, F570L, F583L.
Identifiers: ClinVar variation 126472 (VCV000126472.9), dbSNP rs515726162, ClinGen allele CA347704.

ClinVar aggregate classification (germline): Pathogenic/Likely pathogenic. Review status: criteria provided, multiple submitters, no conflicts (2 of 4 stars). 5 submissions from 5 submitters: Pathogenic (3); Likely pathogenic (1). 1 of the submissions does not count toward it. Last evaluated 2024-01-03.

Conditions:
TRPV4-related disorder. Also called: TRPV4-related condition; TRPV4-related disorders.
Skeletal dysplasia. Also called: Primary bone dysplasia. Identifiers: Orphanet 364526, MedGen C0410528, MONDO:0018230, HP:0002652.
Charcot-Marie-Tooth disease axonal type 2C (HMSN2C). Also called: CHARCOT-MARIE-TOOTH DISEASE, AXONAL, AUTOSOMAL DOMINANT, TYPE 2C; Charcot-Marie-Tooth Neuropathy Type 2C; Charcot-Marie-Tooth Disease Type 2, TRPV4-Related (CMT2C). Identifiers: Orphanet 99937, MedGen C1853710, MONDO:0011633, OMIM 606071.
Spondylometaphyseal dysplasia, Kozlowski type (SMDK). Also called: Dysmorphism arthrogryposis skeletal maturation advanced; Jequier-Kozlowski syndrome; Skeletal dysplasia Jequier-Kozlowski type; SMD Kozlowski type; Spondylometaphyseal Dysplasia, TRPV4-Related (Kozlowski Type). Identifiers: Orphanet 93314, MedGen C0265280, MONDO:0008477, OMIM 184252.

Submissions (5):

Labcorp Genetics (formerly Invitae), Labcorp
Classification: Pathogenic for Charcot-Marie-Tooth disease axonal type 2C. Last evaluated: 2024-01-03. Review status: criteria provided, single submitter. Criteria: Invitae Variant Classification Sherloc (09022015). Collection method: clinical testing. Allele origin: germline.
Comment: This sequence change replaces phenylalanine, which is neutral and non-polar, with leucine, which is neutral and non-polar, at codon 617 of the TRPV4 protein (p.Phe617Leu). This variant is not present in population databases (gnomAD no frequency). This missense change has been observed in individual(s) with metatropic dysplasia (PMID: 20425821, 24342753, 26377240). ClinVar contains an entry for this variant (Variation ID: 126472). Advanced modeling of protein sequence and biophysical properties (such as structural, functional, and spatial information, amino acid conservation, physicochemical variation, residue mobility, and thermodynamic stability) has been performed at Invitae for this missense variant, however the output from this modeling did not meet the statistical confidence thresholds required to predict the impact of this variant on TRPV4 protein function. Experimental studies have shown that this missense change affects TRPV4 function (PMID: 21573172). For these reasons, this variant has been classified as Pathogenic.

Laboratory of Medical Genetics, National & Kapodistrian University of Athens
Classification: Pathogenic for Spondylometaphyseal dysplasia, Kozlowski type. Last evaluated: 2023-12-13. Review status: criteria provided, single submitter. Criteria: ACMG Guidelines, 2015. Collection method: clinical testing. Allele origin: germline. Affected: yes.
Comment: PS1, PM1, PM2, PP3, PP5 - Same amino acid change as a known pathogenic variant. Low frequency in gnomAD population databases. This variant has been previously reported as causative for metatropic dysplasia. (PMID:20425821).

Blueprint Genetics
Classification: Likely pathogenic for TRPV4-related disorders. Last evaluated: 2018-04-03. Review status: criteria provided, single submitter. Criteria: ACMG Guidelines, 2015. Collection method: clinical testing. Allele origin: germline. Affected: yes. Observed: 1 variant allele.

Clinical Biomedical Laboratory, Shriners Hospital For Children - Canada
Classification: Pathogenic for Spondylometaphyseal dysplasia, Kozlowski type. Review status: criteria provided, single submitter. Criteria: ACMG Guidelines, 2015. Collection method: clinical testing. Allele origin: germline. Affected: yes.
Comment: This variant replaces a phenylalanine residue in TRPV4 by a leucine residue. This variant is absent from the Genome Aggregation Database v.2.1.1, indicating it is rare. This variant has been reported in the literature (PMID 26377240). TRPV4 is associated with Spondylometaphyseal Dysplasia, Kozlowski Type (PMID 19232556), which corresponds to the clinical phenotype of the proband. Computational tools: (SIFT = 0, damaging; Polyphen-2 = 0.995, detrimental; PhyloP = 4.4 slightly conserved) suggest that the amino acid is conserved and that the change is detrimental to protein function. According to the ACMG variant interpretation guidelines, the available evidence supports classification of this variant as pathogenic.

GeneReviews
No classification provided. Condition: Skeletal dysplasia. Review status: no classification provided. Collection method: literature only. Allele origin: germline. Affected: yes. Not counted in ClinVar's aggregate classification.

Literature cited by the submitters: PubMed 20425821 (cited by Labcorp Genetics (formerly Invitae), Labcorp); PubMed 24342753 (cited by Labcorp Genetics (formerly Invitae), Labcorp); PubMed 26377240 (cited by Labcorp Genetics (formerly Invitae), Labcorp); PubMed 21573172 (cited by Labcorp Genetics (formerly Invitae), Labcorp); NCBI Bookshelf NBK201366 (cited by GeneReviews).